The following is an entry in ClinVar:

ClinVar aggregate classification (germline): Likely benign. Review status: criteria provided, multiple submitters, no conflicts (2 of 4 stars). 2 submissions from 2 submitters: Likely benign (2). Last evaluated 2018-06-18.

Allele frequency attached by ClinVar (database versions not stated): 1000 Genomes Project 0.00619; 1000 Genomes Project 30x 0.00656; gnomAD 0.00688 and 0.00730; TOPMed 0.00717; gnomAD exomes 0.01009.
gnomAD v4.1: 14,246 of 1,458,352 alleles (0.98%); highest among the groups gnomAD compares: South Asian, 2.1%; 123 homozygotes.

Submissions (2):

GeneDx
Classification: Likely benign. Last evaluated: 2018-06-18. Review status: criteria provided, single submitter. Criteria: GeneDx Variant Classification (06012015). Collection method: clinical testing. Allele origin: germline. Affected: yes.
Comment: This variant is considered likely benign or benign based on one or more of the following criteria: it is a conservative change, it occurs at a poorly conserved position in the protein, it is predicted to be benign by multiple in silico algorithms, and/or has population frequency not consistent with disease.

Breakthrough Genomics
Classification: Likely benign. Review status: criteria provided, single submitter. Criteria: ACMG Guidelines, 2015. Collection method: not provided. Allele origin: germline. Inheritance: Autosomal dominant inheritance. Affected: yes.

NM_004655.4(AXIN2):c.1907+133C>T

Gene: AXIN2 (axin 2; minus strand). Cytogenetic location: 17q24.1.
Variant type: single nucleotide variant.
Coding change: c.1907+133C>T on transcript NM_004655.4 (MANE Select); 133 bases into the intron after coding-DNA position 1907, C replaced by T.
Molecular consequence: intron variant.
Genome position (GRCh38, 1-based): chr17:65,536,736, G>A on the plus strand (C>T on the coding strand, the complement: AXIN2 is on the minus strand). VCF-style: chr17-65536736-G-A. GRCh37 (hg19) VCF-style: chr17-63532854-G-A.
Other names: c.1713-183C>T (NM_001363813.1).
Identifiers: ClinVar variation 676538 (VCV000676538.2), dbSNP rs78211272, ClinGen allele CA293097919.